The following is an entry in ClinVar:

NM_020987.5(ANK3):c.6790T>C (p.Ser2264Pro)

Genes: ANK3 (ankyrin 3; minus strand), LOC130003862 (ATAC-STARR-seq lymphoblastoid active region 3393; plus strand). Cytogenetic location: 10q21.2.
Variant type: single nucleotide variant.
Coding change: c.6790T>C on transcript NM_020987.5 (MANE Select); coding-DNA position 6790, T replaced by C.
Protein change: p.Ser2264Pro; replaces serine 2264 with proline.
Molecular consequence: missense variant. On other transcripts: intron variant (4).
Genome position (GRCh38, 1-based): chr10:60,074,091, A>G on the plus strand (T>C on the coding strand, the complement: ANK3 is on the minus strand). VCF-style: chr10-60074091-A-G. GRCh37 (hg19) VCF-style: chr10-61833849-A-G.
Other names: c.4388-6082T>C (NM_001204403.2); c.4409-6082T>C (NM_001204404.2); c.4406-6082T>C (NM_001320874.2); c.1808-6082T>C (NM_001149.4); short protein forms S2264P.
Identifiers: ClinVar variation 2006553 (VCV002006553.4), dbSNP rs2492558335, ClinGen allele CA377011915.

ClinVar aggregate classification (germline): Uncertain significance (1 of 4 stars; one submission).

Submission:

Labcorp Genetics (formerly Invitae), Labcorp
Classification: Uncertain significance. Last evaluated: 2024-03-11. Review status: criteria provided, single submitter. Criteria: Invitae Variant Classification Sherloc (09022015). Collection method: clinical testing. Allele origin: germline.
Comment: This sequence change replaces serine, which is neutral and polar, with proline, which is neutral and non-polar, at codon 2264 of the ANK3 protein (p.Ser2264Pro). This variant is not present in population databases (gnomAD no frequency). This variant has not been reported in the literature in individuals affected with ANK3-related conditions. ClinVar contains an entry for this variant (Variation ID: 2006553). Advanced modeling of protein sequence and biophysical properties (such as structural, functional, and spatial information, amino acid conservation, physicochemical variation, residue mobility, and thermodynamic stability) performed at Invitae indicates that this missense variant is not expected to disrupt ANK3 protein function with a negative predictive value of 80%. In summary, the available evidence is currently insufficient to determine the role of this variant in disease. Therefore, it has been classified as a Variant of Uncertain Significance.